The following is an entry in ClinVar:

ClinVar aggregate classification (germline): Uncertain significance. Review status: criteria provided, multiple submitters, no conflicts (2 of 4 stars). 3 submissions from 3 submitters: Uncertain significance (3). Last evaluated 2023-06-25.

Conditions:
Desmin-related myofibrillar myopathy (MFM1). Also called: Desminopathy; Desmin related myopathy (former name); Desmin storage myopathy (former name); Myofibrillar myopathy 1; MYOFIBRILLAR MYOPATHY WITH ARRHYTHMOGENIC RIGHT VENTRICULAR CARDIOMYOPATHY; DESMIN-RELATED MYOPATHY WITH ARRHYTHMOGENIC RIGHT VENTRICULAR CARDIOMYOPATHY. Identifiers: Orphanet 363543, Orphanet 98909, MedGen C1832370, MONDO:0011076, OMIM 601419.

Submissions (3):

Labcorp Genetics (formerly Invitae), Labcorp
Classification: Uncertain significance for Desmin-related myofibrillar myopathy. Last evaluated: 2023-06-25. Review status: criteria provided, single submitter. Criteria: Invitae Variant Classification Sherloc (09022015). Collection method: clinical testing. Allele origin: germline.
Comment: This missense change has been observed in individual(s) with autosomal dominant myofibrillar myopathy (PMID: 31998224). In summary, the available evidence is currently insufficient to determine the role of this variant in disease. Therefore, it has been classified as a Variant of Uncertain Significance. This variant disrupts the p.Ser13 amino acid residue in DES. Other variant(s) that disrupt this residue have been determined to be pathogenic (PMID: 17720647, 18061454, 19879535, 23349452, 26097489). This suggests that this residue is clinically significant, and that variants that disrupt this residue are likely to be disease-causing. Advanced modeling of protein sequence and biophysical properties (such as structural, functional, and spatial information, amino acid conservation, physicochemical variation, residue mobility, and thermodynamic stability) has been performed at Invitae for this missense variant, however the output from this modeling did not meet the statistical confidence thresholds required to predict the impact of this variant on DES protein function. ClinVar contains an entry for this variant (Variation ID: 541304). This variant is not present in population databases (gnomAD no frequency). This sequence change replaces serine, which is neutral and polar, with tyrosine, which is neutral and polar, at codon 13 of the DES protein (p.Ser13Tyr).

Revvity Omics, Revvity
Classification: Uncertain significance. Last evaluated: 2020-02-20. Review status: criteria provided, single submitter. Criteria: ACMG Guidelines, 2015. Collection method: clinical testing. Allele origin: germline.

Eurofins Ntd Llc (ga)
Classification: Uncertain significance. Last evaluated: 2017-12-06. Review status: criteria provided, single submitter. Criteria: EGL Classification Definitions 2015. Collection method: clinical testing. Allele origin: germline. Observed: 1 variant allele, 1 heterozygote.

Literature cited by the submitters: PubMed 31998224 (cited by Labcorp Genetics (formerly Invitae), Labcorp); PubMed 17720647 (cited by Labcorp Genetics (formerly Invitae), Labcorp); PubMed 18061454 (cited by Labcorp Genetics (formerly Invitae), Labcorp); PubMed 19879535 (cited by Labcorp Genetics (formerly Invitae), Labcorp); PubMed 23349452 (cited by Labcorp Genetics (formerly Invitae), Labcorp); PubMed 26097489 (cited by Labcorp Genetics (formerly Invitae), Labcorp).

NM_001927.4(DES):c.38C>A (p.Ser13Tyr)

Gene: DES (desmin; plus strand). Cytogenetic location: 2q35.
Variant type: single nucleotide variant.
Coding change: c.38C>A on transcript NM_001927.4 (MANE Select); coding-DNA position 38, C replaced by A.
Protein change: p.Ser13Tyr; replaces serine 13 with tyrosine.
Molecular consequence: missense variant.
Genome position (GRCh38, 1-based): chr2:219,418,500, C>A. VCF-style: chr2-219418500-C-A. GRCh37 (hg19) VCF-style: chr2-220283222-C-A.
Other names: c.38C>A (LRG_380t1); short protein forms S13Y.
Identifiers: ClinVar variation 541304 (VCV000541304.16), dbSNP rs62636495, ClinGen allele CA350682283.